The following is an entry in ClinVar:

ClinVar aggregate classification (germline): Uncertain significance (1 of 4 stars; one submission).

Conditions:
Anophthalmia/microphthalmia-esophageal atresia syndrome (MCOPS3). Also called: AEG SYNDROME; SOX2 Disorder; MICROPHTHALMIA AND ESOPHAGEAL ATRESIA SYNDROME. Identifiers: Orphanet 77298, MedGen C1859773, MONDO:0008799, OMIM 206900.

gnomAD v4.1: 8 of 1,613,814 alleles (0.0005%); highest among the groups gnomAD compares: African/African-American, 0.0093%; no homozygotes.

Submission:

Labcorp Genetics (formerly Invitae), Labcorp
Classification: Uncertain significance for Anophthalmia/microphthalmia-esophageal atresia syndrome. Last evaluated: 2025-10-26. Review status: criteria provided, single submitter. Criteria: Invitae Variant Classification Sherloc (09022015). Collection method: clinical testing. Allele origin: germline.
Comment: This sequence change affects codon 252 of the SOX2 mRNA. It is a 'silent' change, meaning that it does not change the encoded amino acid sequence of the SOX2 protein. This variant is present in population databases (no rsID available, gnomAD 0.01%). This variant has not been reported in the literature in individuals affected with SOX2-related conditions. In summary, the available evidence is currently insufficient to determine the role of this variant in disease. Therefore, it has been classified as a Variant of Uncertain Significance.

NM_003106.4(SOX2):c.756C>T (p.Pro252=)

Genes: SOX2 (SRY-box transcription factor 2; plus strand), SOX2-OT (SOX2 overlapping transcript; plus strand). Cytogenetic location: 3q26.33.
Variant type: single nucleotide variant.
Coding change: c.756C>T on transcript NM_003106.4 (MANE Select); coding-DNA position 756, C replaced by T.
Protein change: p.Pro252=; no amino-acid change (proline 252 retained).
Molecular consequence: synonymous variant.
Genome position (GRCh38, 1-based): chr3:181,713,116, C>T. VCF-style: chr3-181713116-C-T. GRCh37 (hg19) VCF-style: chr3-181430904-C-T.
Identifiers: ClinVar variation 4776913 (VCV004776913.1).